The following is an entry in ClinVar:

ClinVar aggregate classification (germline): Likely benign. Review status: criteria provided, multiple submitters, no conflicts (2 of 4 stars). 2 submissions from 2 submitters: Likely benign (2). Last evaluated 2025-09-23.

Conditions:
CYP4V2-related disorder. Also called: CYP4V2-related disorders; CYP4V2-related condition.

Allele frequency attached by ClinVar (database versions not stated): gnomAD exomes 0.00001 and 0.00002; ExAC 0.00002; gnomAD 0.00009 and 0.00010; TOPMed 0.00011; ESP Exome Variant Server 0.00015.
gnomAD v4.1: 24 of 1,612,164 alleles (0.0015%); highest among the groups gnomAD compares: African/African-American, 0.029%; no homozygotes.

Submissions (2):

Labcorp Genetics (formerly Invitae), Labcorp
Classification: Likely benign. Last evaluated: 2025-09-23. Review status: criteria provided, single submitter. Criteria: Invitae Variant Classification Sherloc (09022015). Collection method: clinical testing. Allele origin: germline.

PreventionGenetics, part of Exact Sciences
Classification: Likely benign for CYP4V2-related condition. Last evaluated: 2025-04-15. Review status: criteria provided, single submitter. Criteria: ACMG Guidelines, 2015. Collection method: clinical testing. Allele origin: germline.
Comment: This variant is classified as likely benign based on ACMG/AMP sequence variant interpretation guidelines (Richards et al. 2015 PMID: 25741868, with internal and published modifications).

NM_207352.4(CYP4V2):c.215-6C>T

Gene: CYP4V2 (cytochrome P450 family 4 subfamily V member 2; plus strand). Cytogenetic location: 4q35.1.
Variant type: single nucleotide variant.
Coding change: c.215-6C>T on transcript NM_207352.4 (MANE Select); 6 bases into the intron before coding-DNA position 215, C replaced by T.
Molecular consequence: intron variant.
Genome position (GRCh38, 1-based): chr4:186,194,494, C>T. VCF-style: chr4-186194494-C-T. GRCh37 (hg19) VCF-style: chr4-187115648-C-T.
Other names: c.215-6C>T (NM_207352.3).
Identifiers: ClinVar variation 1477247 (VCV001477247.9), dbSNP rs372144743, ClinGen allele CA3162474.
Genomic context (GRCh38, chr4:186,194,494, plus strand): 5'-CTTTGTCCAATACTGGTCACAACTTTCTCATCTTGATTGAATTTCAAATTTGATGTTTTT[C>T]CCCAGAATTTTTTCAGCAGATCATTGAGTACACAGAGGAATACCGCCACATGCCGCTGCT-3'